The following is an entry in ClinVar:

ClinVar aggregate classification (germline): Uncertain significance. Review status: reviewed by expert panel (3 of 4 stars). 3 submissions from 3 submitters: Uncertain significance (1). 2 of the submissions do not count toward it. Last evaluated 2023-08-22.

Conditions:
Mitochondrial disease. Also called: Mitochondrial disorder; Mitochondrial disorders. Identifiers: Orphanet 68380, MedGen C0751651, MeSH D028361, MONDO:0044970.
MELAS syndrome (MELAS). Also called: Juvenile myopathy, encephalopathy, lactic acidosis, stroke. Identifiers: Orphanet 550, MedGen C0162671, MONDO:0010789, OMIM 540000.

Submissions (3):

ClinGen Mitochondrial Disease Nuclear and Mitochondrial  Variant Curation Expert Panel, ClinGen
Classification: Uncertain significance for Mitochondrial disease. Last evaluated: 2023-08-22. Review status: reviewed by expert panel. Criteria: clingen mito disease acmg specifications v1-1. Collection method: curation. Allele origin: germline. Inheritance: Mitochondrial inheritance.
Comment: This individual had features consistent with mitochondrial encephalomyopathy with lactic acidosis and stroke-like episodes (MELAS) and harbored the variant at 93% heteroplasmy in muscle, 45% in blood, and 88% in fibroblasts (PMID:15466014). This variant occurred de novo in one individual (absent in blood from mother and two brothers; PM6_supporting, PMID: 15466014). Electron transport chain (ETC) enzyme activity in fibroblasts and muscles was consistent with severe isolated defect of complex I, and levels of assembled complex I was approximately 12% of control; however, nuclear etiologies were not excluded (PMID: 15466014). Studies in E. coli (PMID: 16849371) and cybrids (PMID: 15466014) support the functional impact of this variant and independent studies showed independent deleterious effects of the variant (PS3_supporting). The m.3949GT>C variant is present in Mitomap’s GenBank dataset at less than 1/50,000 or 0.002% (1/61,168 sequences, 0.00163%, haplogroup K1a). This variant is absent in gnomAD v3.1.2 and in Helix dataset therefore this variant is absent in healthy individuals (PM2_supporting). The computational predictor APOGEE gives a consensus rating of pathogenic with a score of 0.54 (Min=0, Max=1), which predicts a damaging effect on gene function (PP3). In summary, this variant meets criteria to be classified as uncertain significance for primary mitochondrial disease inherited in a mitochondrial manner. This classification was approved by the NICHD/NINDS U24 ClinGen Mitochondrial Disease Variant Curation Expert Panel on August 22, 2023. Mitochondrial DNA-specific ACMG/AMP criteria applied (PMID: 32906214): PM6_supporting, PS3_supporting, PP3, PM2_supporting.

OMIM
Classification: Pathogenic for MELAS SYNDROME. Last evaluated: 2004-10-01. Review status: no assertion criteria provided. Collection method: literature only. Allele origin: germline. Not counted in ClinVar's aggregate classification.

GeneReviews
No classification provided. Condition: MELAS syndrome. Review status: no classification provided. Collection method: literature only. Allele origin: maternal. Not counted in ClinVar's aggregate classification.

Literature cited by the submitters: PubMed 15466014 (cited by 3 submitters); PubMed 16849371 (cited by ClinGen Mitochondrial Disease Nuclear and Mitochondrial  Variant Curation Expert Panel, ClinGen).

NC_012920.1(MT-ND1):m.3949T>C

Gene: MT-ND1 (mitochondrially encoded NADH dehydrogenase 1; plus strand).
Variant type: single nucleotide variant.
Genome position: chrM-3949-T-C.
Other names: 3949T-C.
Identifiers: ClinVar variation 9735 (VCV000009735.3), dbSNP rs199476124, ClinGen allele CA254863.